The following is an entry in ClinVar:

ClinVar aggregate classification (germline): Pathogenic (1 of 4 stars; one submission).

Submission:

Labcorp Genetics (formerly Invitae), Labcorp
Classification: Pathogenic. Last evaluated: 2022-07-26. Review status: criteria provided, single submitter. Criteria: Invitae Variant Classification Sherloc (09022015). Collection method: clinical testing. Allele origin: germline.
Comment: This variant is a gross deletion of the genomic region encompassing exon(s) 5-10 of the POC1B gene. This deletion is out-of-frame, and is expected to create a premature termination codon and result in an absent or disrupted protein product. Loss-of-function variants in POC1B are known to be pathogenic (PMID: 25018096, 29220607). This variant has not been reported in the literature in individuals affected with POC1B-related conditions. For these reasons, this variant has been classified as Pathogenic.

Literature cited by the submitters: PubMed 25018096; PubMed 29220607.

NC_000012.11:g.(?_89853395)_(89866072_?)del

Gene: POC1B (POC1 centriolar protein B; minus strand). Cytogenetic location: 12q21.33.
Variant type: Deletion.
Identifiers: ClinVar variation 1430739 (VCV001430739.5).